The following is an entry in ClinVar:

ClinVar aggregate classification (germline): Uncertain significance (1 of 4 stars; one submission).

Conditions:
Cardiovascular phenotype. Identifiers: MedGen CN230736.

gnomAD v4.1: 8 of 1,563,876 alleles (0.00051%); highest among the groups gnomAD compares: African/African-American, 0.0068%; no homozygotes.

Submission:

Ambry Genetics
Classification: Uncertain significance for Cardiovascular phenotype. Last evaluated: 2025-08-31. Review status: criteria provided, single submitter. Criteria: Ambry Variant Classification Scheme 2023. Collection method: clinical testing. Allele origin: germline.
Comment: The p.G362R variant (also known as c.1084G>A), located in coding exon 2 of the TNXB gene, results from a G to A substitution at nucleotide position 1084. The glycine at codon 362 is replaced by arginine, an amino acid with dissimilar properties. This amino acid position is conserved. In addition, this alteration is predicted to be tolerated by in silico analysis. Based on the available evidence, the clinical significance of this variant remains unclear.

NM_001365276.2(TNXB):c.1084G>A (p.Gly362Arg)

Gene: TNXB (tenascin XB; minus strand). Cytogenetic location: 6p21.33.
Variant type: single nucleotide variant.
Coding change: c.1084G>A on transcript NM_001365276.2 (MANE Select); coding-DNA position 1084, G replaced by A.
Protein change: p.Gly362Arg; replaces glycine 362 with arginine.
Molecular consequence: missense variant.
Genome position (GRCh38, 1-based): chr6:32,096,769, C>T on the plus strand (G>A on the coding strand, the complement: TNXB is on the minus strand). VCF-style: chr6-32096769-C-T. GRCh37 (hg19) VCF-style: chr6-32064546-C-T.
Other names: c.1084G>A, p.Gly362Arg (NM_019105.8, NM_001428335.1); short protein forms G362R.
Identifiers: ClinVar variation 4188729 (VCV004188729.1).
Genomic context (GRCh38, chr6:32,096,769, plus strand): 5'-GCCCGCGGCCCCGGCAGTCCCTCGGACATGTCCGCGTGCTGCAGTCCTCGCCTGTGTACC[C>T]GGGCCAGCACACGCAGCGGCCGTCCACGCAGCGCCCGCCCTCGCCACAGTCCCAGGGGCA-3'
Protein context (NP_001352205.1, residues 352-372): CVDGRCVCWP[Gly362Arg]YTGEDCSTRT